The following is an entry in ClinVar:

NM_001041.4(SI):c.3234G>A (p.Arg1078=)

Gene: SI (sucrase-isomaltase; minus strand). Cytogenetic location: 3q26.1.
Variant type: single nucleotide variant.
Coding change: c.3234G>A on transcript NM_001041.4 (MANE Select); coding-DNA position 3234, G replaced by A.
Protein change: p.Arg1078=; no amino-acid change (arginine 1078 retained).
Molecular consequence: synonymous variant.
Genome position (GRCh38, 1-based): chr3:165,021,249, C>T on the plus strand (G>A on the coding strand, the complement: SI is on the minus strand). VCF-style: chr3-165021249-C-T. GRCh37 (hg19) VCF-style: chr3-164739037-C-T.
Identifiers: ClinVar variation 900629 (VCV000900629.19), dbSNP rs56082035, ClinGen allele CA2690345.

ClinVar aggregate classification (germline): Conflicting classifications of pathogenicity. Review status: criteria provided, conflicting classifications (1 of 4 stars). 4 submissions from 4 submitters: Uncertain significance (1); Benign (1); Likely benign (2). Last evaluated 2026-01-29.

Conditions:
Sucrase-isomaltase deficiency (CSID). Also called: SI DEFICIENCY; Deficiency of isomaltase; Congenital sucrose isomaltose malabsorption; Sucrose isomaltose enzyme deficiency. Identifiers: Orphanet 35122, MedGen C1283620, MONDO:0009114, OMIM 222900.

Allele frequency attached by ClinVar (database versions not stated): ExAC 0.00152; gnomAD exomes 0.00167; ESP Exome Variant Server 0.00185; 1000 Genomes Project 0.00200; TOPMed 0.00253; 1000 Genomes Project 30x 0.00328.
gnomAD v4.1: 4,619 of 1,610,980 alleles (0.29%); highest among the groups gnomAD compares: Non-Finnish European, 0.35%; 5 homozygotes.

Submissions (4):

Labcorp Genetics (formerly Invitae), Labcorp
Classification: Benign. Last evaluated: 2026-01-29. Review status: criteria provided, single submitter. Criteria: Invitae Variant Classification Sherloc (09022015). Collection method: clinical testing. Allele origin: germline.

CeGaT Center for Human Genetics Tuebingen
Classification: Likely benign. Last evaluated: 2025-10-01. Review status: criteria provided, single submitter. Criteria: CeGaT Center For Human Genetics Tuebingen Variant Classification Criteria Version 2. Collection method: clinical testing. Allele origin: germline. Affected: yes. Observed: 1 variant allele.
Comment: SI: BP4, BP7

Blueprint Genetics
Classification: Likely benign. Last evaluated: 2024-11-26. Review status: criteria provided, single submitter. Criteria: ACMG Guidelines, 2015. Collection method: clinical testing. Allele origin: germline.

Illumina Laboratory Services, Illumina
Classification: Uncertain significance for Sucrase-isomaltase deficiency. Last evaluated: 2018-01-13. Review status: criteria provided, single submitter. Criteria: ICSL Variant Classification Criteria 13 December 2019. Collection method: clinical testing. Allele origin: germline.